The following is an entry in ClinVar:

NM_018294.6(CWF19L1):c.943C>T (p.Pro315Ser)

Gene: CWF19L1 (CWF19 like cell cycle control factor 1; minus strand). Cytogenetic location: 10q24.31.
Variant type: single nucleotide variant.
Coding change: c.943C>T on transcript NM_018294.6 (MANE Select); coding-DNA position 943, C replaced by T.
Protein change: p.Pro315Ser; replaces proline 315 with serine.
Molecular consequence: missense variant.
Genome position (GRCh38, 1-based): chr10:100,245,820, G>A on the plus strand (C>T on the coding strand, the complement: CWF19L1 is on the minus strand). VCF-style: chr10-100245820-G-A. GRCh37 (hg19) VCF-style: chr10-102005577-G-A.
Other names: c.943C>T (NM_018294.4); c.943C>T, p.Pro315Ser (NM_001303404.2); c.532C>T, p.Pro178Ser (NM_001303405.2, NM_001303406.2); c.208C>T, p.Pro70Ser (NM_001303407.2); short protein forms P315S, P178S, P70S.
Identifiers: ClinVar variation 872771 (VCV000872771.44), dbSNP rs200544782, ClinGen allele CA5647023.
Genomic context (GRCh38, chr10:100,245,820, plus strand): 5'-ACTGTTCATAGAAGAAACCTCTGGAATAAAGGTACTTACGAGGTTTGCGAGGCTGCTTTG[G>A]ATGAGGAGAAGATTTGCTATCTCTACCTGTGGATGAACGCTTCCTTCCCTGCTTTTCATT-3'
Protein context (NP_060764.3, residues 305-325): TGRDSKSSPH[Pro315Ser]KQPRKPPQPP

ClinVar aggregate classification (germline): Uncertain significance. Review status: criteria provided, multiple submitters, no conflicts (2 of 4 stars). 3 submissions from 3 submitters: Uncertain significance (3). Last evaluated 2024-10-09.

Conditions:
Inborn genetic diseases. Identifiers: MedGen C0950123, MeSH D030342.

Allele frequency attached by ClinVar (database versions not stated): ESP Exome Variant Server 0.00015; 1000 Genomes Project 30x 0.00016; 1000 Genomes Project 0.00020; gnomAD exomes 0.00025; ExAC 0.00030; gnomAD 0.00034 and 0.00038; TOPMed 0.00051.
gnomAD v4.1: 415 of 1,613,978 alleles (0.026%); highest among the groups gnomAD compares: Admixed American, 0.067%; no homozygotes.

Submissions (3):

Blueprint Genetics
Classification: Uncertain significance. Last evaluated: 2024-10-09. Review status: criteria provided, single submitter. Criteria: ACMG Guidelines, 2015. Collection method: clinical testing. Allele origin: germline.

CeGaT Center for Human Genetics Tuebingen
Classification: Uncertain significance. Last evaluated: 2022-03-01. Review status: criteria provided, single submitter. Criteria: CeGaT Center For Human Genetics Tuebingen Variant Classification Criteria Version 2. Collection method: clinical testing. Allele origin: germline. Affected: yes. Observed: 2 variant alleles.
Comment: CWF19L1: PM2, BP4

Ambry Genetics
Classification: Uncertain significance for Inborn genetic diseases. Last evaluated: 2022-02-28. Review status: criteria provided, single submitter. Criteria: Ambry Variant Classification Scheme 2023. Collection method: clinical testing. Allele origin: germline.